The following is an entry in ClinVar:

NM_003141.4(TRIM21):c.1281C>T (p.Gly427=)

Gene: TRIM21 (tripartite motif containing 21; minus strand). Cytogenetic location: 11p15.4.
Variant type: single nucleotide variant.
Coding change: c.1281C>T on transcript NM_003141.4 (MANE Select); coding-DNA position 1281, C replaced by T.
Protein change: p.Gly427=; no amino-acid change (glycine 427 retained).
Molecular consequence: synonymous variant.
Genome position (GRCh38, 1-based): chr11:4,385,432, G>A on the plus strand (C>T on the coding strand, the complement: TRIM21 is on the minus strand). VCF-style: chr11-4385432-G-A. GRCh37 (hg19) VCF-style: chr11-4406662-G-A.
Identifiers: ClinVar variation 2641530 (VCV002641530.24), dbSNP rs140446058, ClinGen allele CA5831530.

ClinVar aggregate classification (germline): Likely benign (1 of 4 stars; one submission).

Allele frequency attached by ClinVar (database versions not stated): 1000 Genomes Project 30x 0.00016; 1000 Genomes Project 0.00020; ExAC 0.00036; ESP Exome Variant Server 0.00041; gnomAD 0.00062; TOPMed 0.00066; gnomAD exomes 0.00072.
gnomAD v4.1: 1,148 of 1,613,602 alleles (0.071%); highest among the groups gnomAD compares: Admixed American, 0.12%; 2 homozygotes.

Submission:

CeGaT Center for Human Genetics Tuebingen
Classification: Likely benign. Last evaluated: 2022-08-01. Review status: criteria provided, single submitter. Criteria: CeGaT Center For Human Genetics Tuebingen Variant Classification Criteria Version 2. Collection method: clinical testing. Allele origin: germline. Affected: yes. Observed: 1 variant allele.
Comment: TRIM21: BP4, BP7